The following is an entry in ClinVar:

ClinVar aggregate classification (germline): Uncertain significance (1 of 4 stars; one submission).

Conditions:
Neuropathy, hereditary sensory and autonomic, type 2A (HSAN2A). Also called: ACROOSTEOLYSIS, GIACCAI TYPE; ACROOSTEOLYSIS, NEUROGENIC; WNK1-Related HSAN2 (HSAN2A); MORVAN DISEASE; NEUROPATHY, CONGENITAL SENSORY; NEUROPATHY, HEREDITARY SENSORY RADICULAR, AUTOSOMAL RECESSIVE. Identifiers: Orphanet 970, MedGen C2752089, MONDO:0024309, OMIM 201300.
Generalized epilepsy with febrile seizures plus, type 7 (GEFSP7). Also called: GEFS+, TYPE 7. Identifiers: Orphanet 36387, MedGen C2751778, MONDO:0013470, OMIM 613863.

Submission:

Labcorp Genetics (formerly Invitae), Labcorp
Classification: Uncertain significance for Neuropathy, hereditary sensory and autonomic, type 2A; Generalized epilepsy with febrile seizures plus, type 7. Last evaluated: 2023-08-04. Review status: criteria provided, single submitter. Criteria: Invitae Variant Classification Sherloc (09022015). Collection method: clinical testing. Allele origin: germline.
Comment: In summary, the available evidence is currently insufficient to determine the role of this variant in disease. Therefore, it has been classified as a Variant of Uncertain Significance. Advanced modeling of protein sequence and biophysical properties (such as structural, functional, and spatial information, amino acid conservation, physicochemical variation, residue mobility, and thermodynamic stability) performed at Invitae indicates that this missense variant is not expected to disrupt SCN9A protein function. This variant has not been reported in the literature in individuals affected with SCN9A-related conditions. This variant is not present in population databases (gnomAD no frequency). This sequence change replaces asparagine, which is neutral and polar, with aspartic acid, which is acidic and polar, at codon 1301 of the SCN9A protein (p.Asn1301Asp).

NM_001365536.1(SCN9A):c.3934A>G (p.Asn1312Asp)

Genes: SCN1A-AS1 (SCN1A and SCN9A antisense RNA 1; plus strand), SCN9A (sodium voltage-gated channel alpha subunit 9; minus strand). Cytogenetic location: 2q24.3.
Variant type: single nucleotide variant.
Coding change: c.3934A>G on transcript NM_001365536.1 (MANE Select); coding-DNA position 3934, A replaced by G.
Protein change: p.Asn1312Asp; replaces asparagine 1312 with aspartic acid.
Molecular consequence: missense variant.
Genome position (GRCh38, 1-based): chr2:166,228,963, T>C on the plus strand (A>G on the coding strand, the complement: SCN9A is on the minus strand). VCF-style: chr2-166228963-T-C. GRCh37 (hg19) VCF-style: chr2-167085473-T-C.
Other names: c.3901A>G, p.Asn1301Asp (NM_002977.4); short protein forms N1312D, N1301D.
Identifiers: ClinVar variation 2932069 (VCV002932069.3), dbSNP rs2468977702, ClinGen allele CA349064791.